The following is an entry in ClinVar:

ClinVar aggregate classification (germline): Uncertain significance (1 of 4 stars; one submission).

Conditions:
Perlman syndrome (PRLMNS). Identifiers: Orphanet 2849, MedGen C0796113, MONDO:0009965, OMIM 267000.

Submission:

Labcorp Genetics (formerly Invitae), Labcorp
Classification: Uncertain significance for Perlman syndrome. Last evaluated: 2023-03-07. Review status: criteria provided, single submitter. Criteria: Invitae Variant Classification Sherloc (09022015). Collection method: clinical testing. Allele origin: germline.
Comment: This sequence change replaces methionine, which is neutral and non-polar, with leucine, which is neutral and non-polar, at codon 628 of the DIS3L2 protein (p.Met628Leu). This variant is not present in population databases (gnomAD no frequency). This variant has not been reported in the literature in individuals affected with DIS3L2-related conditions. Advanced modeling of protein sequence and biophysical properties (such as structural, functional, and spatial information, amino acid conservation, physicochemical variation, residue mobility, and thermodynamic stability) performed at Invitae indicates that this missense variant is not expected to disrupt DIS3L2 protein function. In summary, the available evidence is currently insufficient to determine the role of this variant in disease. Therefore, it has been classified as a Variant of Uncertain Significance.

NM_152383.5(DIS3L2):c.1882A>T (p.Met628Leu)

Gene: DIS3L2 (DIS3 like 3'-5' exoribonuclease 2; plus strand). Cytogenetic location: 2q37.1.
Variant type: single nucleotide variant.
Coding change: c.1882A>T on transcript NM_152383.5 (MANE Select); coding-DNA position 1882, A replaced by T.
Protein change: p.Met628Leu; replaces methionine 628 with leucine.
Molecular consequence: missense variant. On other transcripts: non-coding transcript variant (2), intron variant (1).
Genome position (GRCh38, 1-based): chr2:232,329,955, A>T. VCF-style: chr2-232329955-A-T. GRCh37 (hg19) VCF-style: chr2-233194665-A-T.
Other names: c.1582-13390A>T (NM_001257281.2); short protein forms M628L.
Identifiers: ClinVar variation 2843243 (VCV002843243.3), dbSNP rs2469434558, ClinGen allele CA350976224.